The following is an entry in ClinVar:

ClinVar aggregate classification (germline): Uncertain significance (1 of 4 stars; one submission).

Conditions:
Congenital muscular dystrophy due to integrin alpha-7 deficiency. Also called: Congenital muscular dystrophy with integrin alpha-7 deficiency; MYOPATHY, CONGENITAL, DUE TO INTEGRIN ALPHA-7 DEFICIENCY; Muscular dystrophy, congenital, due to ITGA7 deficiency. Identifiers: Orphanet 34520, MedGen C2750786, MONDO:0013177, OMIM 613204.

Submission:

Labcorp Genetics (formerly Invitae), Labcorp
Classification: Uncertain significance for Congenital muscular dystrophy due to integrin alpha-7 deficiency. Last evaluated: 2022-02-10. Review status: criteria provided, single submitter. Criteria: Invitae Variant Classification Sherloc (09022015). Collection method: clinical testing. Allele origin: germline.
Comment: In summary, the available evidence is currently insufficient to determine the role of this variant in disease. Therefore, it has been classified as a Variant of Uncertain Significance. Algorithms developed to predict the effect of missense changes on protein structure and function are either unavailable or do not agree on the potential impact of this missense change (SIFT: "Deleterious"; PolyPhen-2: "Probably Damaging"; Align-GVGD: "Class C0"). ClinVar contains an entry for this variant (Variation ID: 571144). This variant has not been reported in the literature in individuals affected with ITGA7-related conditions. This variant is not present in population databases (gnomAD no frequency). This sequence change replaces tyrosine, which is neutral and polar, with histidine, which is basic and polar, at codon 723 of the ITGA7 protein (p.Tyr723His).

NM_002206.3(ITGA7):c.2167T>C (p.Tyr723His)

Genes: ITGA7 (integrin subunit alpha 7; minus strand), LOC126861535 (CDK7 strongly-dependent group 2 enhancer GRCh37_chr12:56087579-56088778; plus strand). Cytogenetic location: 12q13.2.
Variant type: single nucleotide variant.
Coding change: c.2167T>C on transcript NM_002206.3 (MANE Select); coding-DNA position 2167, T replaced by C.
Protein change: p.Tyr723His; replaces tyrosine 723 with histidine.
Molecular consequence: missense variant.
Genome position (GRCh38, 1-based): chr12:55,694,807, A>G on the plus strand (T>C on the coding strand, the complement: ITGA7 is on the minus strand). VCF-style: chr12-55694807-A-G. GRCh37 (hg19) VCF-style: chr12-56088591-A-G.
Other names: c.1888T>C, p.Tyr630His (NM_001144997.2); c.1840T>C, p.Tyr614His (NM_001367993.1); c.2179T>C, p.Tyr727His (NM_001144996.2); c.823T>C, p.Tyr275His (NM_001367994.1); c.2149T>C, p.Tyr717His (NM_001374465.1); c.2299T>C, p.Tyr767His (NM_001410977.1); c.2161T>C, p.Tyr721His (NM_001414029.1); c.2092T>C, p.Tyr698His (NM_001414030.1); and 4 more; short protein forms Y630H, Y723H, Y727H, Y275H, Y614H, Y717H, Y767H, Y610H.
Identifiers: ClinVar variation 571144 (VCV000571144.9), dbSNP rs1565622130, ClinGen allele CA385183801.